The following is an entry in ClinVar:

NM_001083619.3(GRIA2):c.4del (p.Gln2fs)

Gene: GRIA2 (glutamate ionotropic receptor AMPA type subunit 2; plus strand). Cytogenetic location: 4q32.1.
Variant type: Deletion.
Coding change: c.4del on transcript NM_001083619.3 (MANE Select); coding-DNA position 4, one base deleted (C; older notation c.4delC).
Protein change: p.Gln2fs; shifts the reading frame from glutamine 2.
Molecular consequence: frameshift variant. On other transcripts: intron variant (3).
Genome position (GRCh38, 1-based): chr4:157,221,046, C deleted. VCF-style (leftmost placement, unchanged base first): chr4-157221045-GC-G. GRCh37 (hg19) VCF-style: chr4-158142197-GC-G.
Other names: c.4del, p.Gln2fs (NM_000826.6); c.-53-621del (NM_001379000.3, NM_001379001.3); c.-54+321del (NM_001083620.3); short protein forms Q2fs.
Identifiers: ClinVar variation 4883848 (VCV004883848.2).

ClinVar aggregate classification (germline): Uncertain significance (1 of 4 stars; one submission).

Conditions:
Neurodevelopmental disorder with language impairment and behavioral abnormalities. Also called: GRIA2-related neurodevelopmental disorder. Identifiers: MedGen C5394502, MONDO:0030060, OMIM 618917.

Submission:

Dasa
Classification: Uncertain significance for Neurodevelopmental disorder with language impairment and behavioral abnormalities. Last evaluated: 2026-01-27. Review status: criteria provided, single submitter. Criteria: DASA Assertion Criteria. Collection method: clinical testing. Allele origin: germline.
Comment: NM_001083619.3(GRIA2):c.4del (p.Gln2Lysfs*17) is a frameshift variant in GRIA2 predicted to alter the reading frame and introduce a premature termination codon and is predicted to result in an absent or altered protein product. This variant is absent from population databases. The currently available literature and clinical evidence are not sufficient to establish a definitive association between this variant and the reported condition. Therefore, this variant is classified as a variant of uncertain significance.